The following is an entry in ClinVar:

ClinVar aggregate classification (germline): Uncertain significance (1 of 4 stars; one submission).

Conditions:
Ataxia-telangiectasia-like disorder (ATLD). Identifiers: MedGen C1858391, MONDO:0011457.

gnomAD v4.1: 1 of 1,611,764 alleles (0.000062%); highest among the groups gnomAD compares: Middle Eastern, 0.017%; no homozygotes.

Submission:

Labcorp Genetics (formerly Invitae), Labcorp
Classification: Uncertain significance for Ataxia-telangiectasia-like disorder. Last evaluated: 2019-01-12. Review status: criteria provided, single submitter. Criteria: Invitae Variant Classification Sherloc (09022015). Collection method: clinical testing. Allele origin: germline.
Comment: In summary, the available evidence is currently insufficient to determine the role of this variant in disease. Therefore, it has been classified as a Variant of Uncertain Significance. Nucleotide substitutions within the consensus splice site are a relatively common cause of aberrant splicing (PMID: 17576681, 9536098). Algorithms developed to predict the effect of sequence changes on RNA splicing suggest that this variant may disrupt the consensus splice site, but this prediction has not been confirmed by published transcriptional studies. This variant has not been reported in the literature in individuals with MRE11-related conditions. This variant is not present in population databases (ExAC no frequency). This sequence change falls in intron 18 of the MRE11 gene. It does not directly change the encoded amino acid sequence of the MRE11 protein, but it affects a nucleotide within the consensus splice site of the intron.

Literature cited by the submitters: PubMed 17576681; PubMed 9536098.

NM_005591.4(MRE11):c.1994+3A>G

Gene: MRE11 (MRE11 double strand break repair nuclease; minus strand). Cytogenetic location: 11q21.
Variant type: single nucleotide variant.
Coding change: c.1994+3A>G on transcript NM_005591.4 (MANE Select); 3 bases into the intron after coding-DNA position 1994, A replaced by G.
Molecular consequence: intron variant.
Genome position (GRCh38, 1-based): chr11:94,435,829, T>C on the plus strand (A>G on the coding strand, the complement: MRE11 is on the minus strand). VCF-style: chr11-94435829-T-C. GRCh37 (hg19) VCF-style: chr11-94168995-T-C.
Other names: c.1991+3A>G (NM_001330347.2); c.1910+3A>G (NM_005590.4).
Identifiers: ClinVar variation 844917 (VCV000844917.7), dbSNP rs939310557, ClinGen allele CA916082347.